The following is an entry in ClinVar:

NM_001942.4(DSG1):c.580A>T (p.Ile194Leu)

Gene: DSG1 (desmoglein 1; plus strand). Cytogenetic location: 18q12.1.
Variant type: single nucleotide variant.
Coding change: c.580A>T on transcript NM_001942.4 (MANE Select); coding-DNA position 580, A replaced by T.
Protein change: p.Ile194Leu; replaces isoleucine 194 with leucine.
Molecular consequence: missense variant.
Genome position (GRCh38, 1-based): chr18:31,331,763, A>T. VCF-style: chr18-31331763-A-T. GRCh37 (hg19) VCF-style: chr18-28911726-A-T.
Other names: short protein forms I194L.
Identifiers: ClinVar variation 3011771 (VCV003011771.3), dbSNP rs2511045935, ClinGen allele CA402129253.

ClinVar aggregate classification (germline): Uncertain significance (1 of 4 stars; one submission).

Submission:

Labcorp Genetics (formerly Invitae), Labcorp
Classification: Uncertain significance. Last evaluated: 2025-03-03. Review status: criteria provided, single submitter. Criteria: Invitae Variant Classification Sherloc (09022015). Collection method: clinical testing. Allele origin: germline.
Comment: This sequence change replaces isoleucine, which is neutral and non-polar, with leucine, which is neutral and non-polar, at codon 194 of the DSG1 protein (p.Ile194Leu). This variant is not present in population databases (gnomAD no frequency). This variant has not been reported in the literature in individuals affected with DSG1-related conditions. ClinVar contains an entry for this variant (Variation ID: 3011771). Invitae Evidence Modeling of protein sequence and biophysical properties (such as structural, functional, and spatial information, amino acid conservation, physicochemical variation, residue mobility, and thermodynamic stability) indicates that this missense variant is not expected to disrupt DSG1 protein function with a negative predictive value of 80%. In summary, the available evidence is currently insufficient to determine the role of this variant in disease. Therefore, it has been classified as a Variant of Uncertain Significance.